The following is an entry in ClinVar:

NM_000023.4(SGCA):c.371T>C (p.Ile124Thr)

Gene: SGCA (sarcoglycan alpha; plus strand). Cytogenetic location: 17q21.33.
Variant type: single nucleotide variant.
Coding change: c.371T>C on transcript NM_000023.4 (MANE Select); coding-DNA position 371, T replaced by C.
Protein change: p.Ile124Thr; replaces isoleucine 124 with threonine.
Molecular consequence: missense variant. On other transcripts: non-coding transcript variant (1).
Genome position (GRCh38, 1-based): chr17:50,168,005, T>C. VCF-style: chr17-50168005-T-C. GRCh37 (hg19) VCF-style: chr17-48245366-T-C.
Other names: c.371T>C, p.Ile124Thr (NM_001135697.3); c.371T>C (NM_000023.3); short protein forms I124T.
Identifiers: ClinVar variation 188733 (VCV000188733.33), dbSNP rs768814872, ClinGen allele CA199048.

ClinVar aggregate classification (germline): Pathogenic/Likely pathogenic. Review status: criteria provided, multiple submitters, no conflicts (2 of 4 stars). 10 submissions from 10 submitters: Pathogenic (8); Likely pathogenic (1). 1 of the submissions does not count toward it. Last evaluated 2025-09-30.

Conditions:
Autosomal recessive limb-girdle muscular dystrophy type 2D (LGMDR3). Also called: DUCHENNE-LIKE AUTOSOMAL RECESSIVE MUSCULAR DYSTROPHY, TYPE 2; MUSCULAR DYSTROPHY, LIMB-GIRDLE, AUTOSOMAL RECESSIVE 3; ADHALINOPATHY, PRIMARY. Identifiers: Orphanet 62, MedGen C2936332, MONDO:0011968, OMIM 608099. Disease mechanism: Affects gamma-sarcoglycan and also disrupts the integrity of the entire sarcoglycan complex..

Allele frequency attached by ClinVar (database versions not stated): ExAC 0.00002; gnomAD exomes 0.00002 and 0.00004; TOPMed 0.00002; gnomAD 0.00003.
gnomAD v4.1: 59 of 1,613,888 alleles (0.0037%); highest among the groups gnomAD compares: Admixed American, 0.0083%; no homozygotes.

Submissions (10):

Natera, Inc.
Classification: Pathogenic for Limb-girdle muscular dystrophy type 2D. Last evaluated: 2025-09-30. Review status: criteria provided, single submitter. Criteria: Natera Variant Classification Schema (03/2026). Collection method: clinical testing. Allele origin: germline.
Comment: The c.371T>C variant in SGCA is a missense variant predicted to cause substitution of isoleucine to threonine at amino acid 124. This variant is rare in the general population with a frequency below the threshold expected for the associated phenotype(s). This variant has been observed in one or more individuals affected with the associated recessive disease, as either homozygous or compound heterozygous with a second variant (PMID: 14595658, 21031578, 9032047). Computational prediction algorithms indicate this variant is likely to affect gene or protein function. Given the available evidence, this variant is classified as Pathogenic.

Labcorp Genetics (formerly Invitae), Labcorp
Classification: Pathogenic for Autosomal recessive limb-girdle muscular dystrophy type 2D. Last evaluated: 2025-06-22. Review status: criteria provided, single submitter. Criteria: Invitae Variant Classification Sherloc (09022015). Collection method: clinical testing. Allele origin: germline.
Comment: This sequence change replaces isoleucine, which is neutral and non-polar, with threonine, which is neutral and polar, at codon 124 of the SGCA protein (p.Ile124Thr). This variant is present in population databases (rs768814872, gnomAD 0.009%). This missense change has been observed in individuals with limb-girdle muscular dystrophy (PMID: 9032047, 10993494, 14595658, 18996010, 19798725). It has also been observed to segregate with disease in related individuals. ClinVar contains an entry for this variant (Variation ID: 188733). Invitae Evidence Modeling of protein sequence and biophysical properties (such as structural, functional, and spatial information, amino acid conservation, physicochemical variation, residue mobility, and thermodynamic stability) indicates that this missense variant is expected to disrupt SGCA protein function with a positive predictive value of 95%. Experimental studies have shown that this missense change affects SGCA function (PMID: 22095924). For these reasons, this variant has been classified as Pathogenic.

Revvity Omics, Revvity
Classification: Pathogenic for Autosomal recessive limb-girdle muscular dystrophy type 2D. Last evaluated: 2025-06-12. Review status: criteria provided, single submitter. Criteria: ACMG Guidelines, 2015. Collection method: clinical testing. Allele origin: germline.

Fulgent Genetics
Classification: Pathogenic for Autosomal recessive limb-girdle muscular dystrophy type 2D. Last evaluated: 2024-03-26. Review status: criteria provided, single submitter. Criteria: ACMG Guidelines, 2015. Collection method: clinical testing. Allele origin: germline.

GeneDx
Classification: Pathogenic. Last evaluated: 2023-08-21. Review status: criteria provided, single submitter. Criteria: GeneDx Variant Classification Process June 2021. Collection method: clinical testing. Allele origin: germline. Affected: yes.
Comment: Published functional studies demonstrate that the I124T variant disrupts the membrane localization of the protein (PMID: 31061434); Not observed at a significant frequency in large population cohorts (gnomAD); This variant is associated with the following publications: (PMID: 10993494, 30919934, 22095924, 9032047, 18996010, 14595658, 11121445, 9192266, 24742800, 21031578, 30564623, 19781108, 31061434, 19798725)

Genome-Nilou Lab
Classification: Likely pathogenic for Autosomal recessive limb-girdle muscular dystrophy type 2D. Last evaluated: 2023-02-08. Review status: criteria provided, single submitter. Criteria: ACMG Guidelines, 2015. Collection method: clinical testing. Allele origin: germline.

Institute of Medical Genetics and Applied Genomics, University Hospital Tübingen
Classification: Pathogenic. Last evaluated: 2020-10-23. Review status: criteria provided, single submitter. Criteria: ACMG Guidelines, 2015. Collection method: clinical testing. Allele origin: germline. Inheritance: Unknown mechanism. Affected: yes.

Eurofins Ntd Llc (ga)
Classification: Pathogenic. Last evaluated: 2018-04-02. Review status: criteria provided, single submitter. Criteria: EGL ClinVar v180209 classification definitions. Collection method: clinical testing. Allele origin: germline. Observed: 6 variant alleles, 4 heterozygotes, 2 homozygotes.

Neuberg Centre For Genomic Medicine, NCGM
Classification: Pathogenic for Autosomal recessive limb-girdle muscular dystrophy type 2D. Review status: criteria provided, single submitter. Criteria: ACMG Guidelines, 2015. Collection method: clinical testing. Allele origin: germline. Inheritance: Autosomal recessive inheritance. Affected: yes.
Comment: The c.371T>C (p.Ile124Thr) variant in SGCA gene has been reported in combination with another SGCA variant in multiple individuals and families affected with limb girdle muscular dystrophy (Fischer et al., 2003; Klinge et al., 2008). Experimental studies have shown that this missense change impairs proper localization of the SGCA protein (Soheili et al., 2012). The p.Ile124Thr variant is reported with the allele frequency (0.002%) in the gnomAD Exomes and is novel (not in any individuals) in 1000 Genomes. This variant has been reported to the ClinVar database as Pathogenic/Likely Pathogenic. The amino acid Ile at position 124 is changed to a Thr changing protein sequence and it might alter its composition and physico-chemical properties. The variant is predicted to be damaging by both SIFT and PolyPhen2. The residue is conserved across species. The amino acid change p.Ile124Thr in SGCA is predicted as conserved by GERP++ and PhyloP across 100 vertebrates. For these reasons, this variant has been classified as Pathogenic.

Counsyl
Classification: Likely pathogenic for Limb-girdle muscular dystrophy, type 2D. Last evaluated: 2014-03-29. Review status: no assertion criteria provided. Collection method: literature only. Allele origin: unknown. Inheritance: Autosomal recessive inheritance. Not counted in ClinVar's aggregate classification.

Literature cited by the submitters: PubMed 14595658 (cited by 3 submitters); PubMed 21031578 (cited by Natera, Inc.); PubMed 9032047 (cited by 4 submitters); PubMed 10993494 (cited by Labcorp Genetics (formerly Invitae), Labcorp and Counsyl); PubMed 18996010 (cited by 3 submitters); PubMed 19798725 (cited by Labcorp Genetics (formerly Invitae), Labcorp and Counsyl); PubMed 22095924 (cited by 3 submitters); PubMed 9192266 (cited by Counsyl); PubMed 11121445 (cited by Counsyl).